The following is an entry in ClinVar:

NM_001378964.1(CDON):c.2416C>T (p.Arg806Trp)

Gene: CDON (cell adhesion associated, oncogene regulated; minus strand). Cytogenetic location: 11q24.2.
Variant type: single nucleotide variant.
Coding change: c.2416C>T on transcript NM_001378964.1 (MANE Select); coding-DNA position 2416, C replaced by T.
Protein change: p.Arg806Trp; replaces arginine 806 with tryptophan.
Molecular consequence: missense variant.
Genome position (GRCh38, 1-based): chr11:125,994,999, G>A on the plus strand (C>T on the coding strand, the complement: CDON is on the minus strand). VCF-style: chr11-125994999-G-A. GRCh37 (hg19) VCF-style: chr11-125864894-G-A.
Other names: c.2416C>T, p.Arg806Trp (NM_001243597.3, NM_016952.6); short protein forms R806W.
Identifiers: ClinVar variation 3141683 (VCV003141683.2), dbSNP rs141611214, ClinGen allele CA6351730.

ClinVar aggregate classification (germline): Uncertain significance. Review status: criteria provided, multiple submitters, no conflicts (2 of 4 stars). 2 submissions from 2 submitters: Uncertain significance (2). Last evaluated 2024-10-18.

Conditions:
CDON-related disorder. Also called: CDON-related condition.
Inborn genetic diseases. Identifiers: MedGen C0950123, MeSH D030342.

Allele frequency attached by ClinVar (database versions not stated): ExAC 0.00001; gnomAD 0.00002; gnomAD exomes 0.00002; TOPMed 0.00002; ESP Exome Variant Server 0.00008.
gnomAD v4.1: 32 of 1,613,986 alleles (0.002%); highest among the groups gnomAD compares: Non-Finnish European, 0.0024%; no homozygotes.

Submissions (2):

PreventionGenetics, part of Exact Sciences
Classification: Uncertain significance for CDON-related condition. Last evaluated: 2024-10-18. Review status: criteria provided, single submitter. Criteria: ACMG Guidelines, 2015. Collection method: clinical testing. Allele origin: germline.
Comment: The CDON c.2416C>T variant is predicted to result in the amino acid substitution p.Arg806Trp. This variant has been reported in individuals with developmental disorder (Supplementary Table 1, Kaplanis et al. 2020. PubMed ID: 33057194; Supplementary Data 3, Zhou et al. 2022. PubMed ID: 35982159). This variant is reported in 0.011% of alleles in individuals of East Asian descent in gnomAD. At this time, the clinical significance of this variant is uncertain due to the absence of conclusive functional and genetic evidence.

Ambry Genetics
Classification: Uncertain significance for Inborn genetic diseases. Last evaluated: 2024-02-17. Review status: criteria provided, single submitter. Criteria: Ambry Variant Classification Scheme 2023. Collection method: clinical testing. Allele origin: germline.